The following is an entry in ClinVar:

NM_004304.5(ALK):c.2488-3C>T

Gene: ALK (ALK receptor tyrosine kinase; minus strand). Cytogenetic location: 2p23.2.
Variant type: single nucleotide variant.
Coding change: c.2488-3C>T on transcript NM_004304.5 (MANE Select); 3 bases into the intron before coding-DNA position 2488, C replaced by T.
Molecular consequence: intron variant.
Genome position (GRCh38, 1-based): chr2:29,232,451, G>A on the plus strand (C>T on the coding strand, the complement: ALK is on the minus strand). VCF-style: chr2-29232451-G-A. GRCh37 (hg19) VCF-style: chr2-29455317-G-A.
Identifiers: ClinVar variation 1423912 (VCV001423912.6), dbSNP rs2148183487, ClinGen allele CA2573134545.

ClinVar aggregate classification (germline): Uncertain significance (1 of 4 stars; one submission).

Conditions:
Neuroblastoma, susceptibility to, 3. Also called: ALK-Related Neuroblastic Tumor Susceptibility. Identifiers: Orphanet 635, MedGen C2751681, MONDO:0013083, OMIM 613014.

Submission:

Labcorp Genetics (formerly Invitae), Labcorp
Classification: Uncertain significance for Neuroblastoma, susceptibility to, 3. Last evaluated: 2021-10-17. Review status: criteria provided, single submitter. Criteria: Invitae Variant Classification Sherloc (09022015). Collection method: clinical testing. Allele origin: germline.
Comment: This sequence change falls in intron 14 of the ALK gene. It does not directly change the encoded amino acid sequence of the ALK protein. It affects a nucleotide within the consensus splice site of the intron. In summary, the available evidence is currently insufficient to determine the role of this variant in disease. Therefore, it has been classified as a Variant of Uncertain Significance. Variants that disrupt the consensus splice site are a relatively common cause of aberrant splicing (PMID: 17576681, 9536098). Algorithms developed to predict the effect of sequence changes on RNA splicing suggest that this variant is not likely to affect RNA splicing. This variant has not been reported in the literature in individuals affected with ALK-related conditions. This variant is not present in population databases (ExAC no frequency).

Literature cited by the submitters: PubMed 17576681; PubMed 9536098.